The following is an entry in ClinVar:

ClinVar aggregate classification (germline): Uncertain significance (1 of 4 stars; one submission).

Conditions:
Inborn genetic diseases. Identifiers: MedGen C0950123, MeSH D030342.

Allele frequency attached by ClinVar (database versions not stated): ExAC 0.00001.

Submission:

Ambry Genetics
Classification: Uncertain significance for Inborn genetic diseases. Last evaluated: 2020-10-05. Review status: criteria provided, single submitter. Criteria: Ambry Variant Classification Scheme 2023. Collection method: clinical testing. Allele origin: germline.
Comment: The p.I393T variant (also known as c.1178T>C), located in coding exon 8 of the SLC25A46 gene, results from a T to C substitution at nucleotide position 1178. The isoleucine at codon 393 is replaced by threonine, an amino acid with similar properties. This amino acid position is not well conserved in available vertebrate species. In addition, this alteration is predicted to be tolerated by in silico analysis. Since supporting evidence is limited at this time, the clinical significance of this alteration remains unclear.

NM_138773.4(SLC25A46):c.1178T>C (p.Ile393Thr)

Gene: SLC25A46 (solute carrier family 25 member 46; plus strand). Cytogenetic location: 5q22.1.
Variant type: single nucleotide variant.
Coding change: c.1178T>C on transcript NM_138773.4 (MANE Select); coding-DNA position 1178, T replaced by C.
Protein change: p.Ile393Thr; replaces isoleucine 393 with threonine.
Molecular consequence: missense variant. On other transcripts: non-coding transcript variant (1).
Genome position (GRCh38, 1-based): chr5:110,761,703, T>C. VCF-style: chr5-110761703-T-C. GRCh37 (hg19) VCF-style: chr5-110097403-T-C.
Other names: c.935T>C, p.Ile312Thr (NM_001303249.3); c.905T>C, p.Ile302Thr (NM_001303250.3); short protein forms I393T, I302T, I312T.
Identifiers: ClinVar variation 1741334 (VCV001741334.2), dbSNP rs780751823, ClinGen allele CA3364821.